The following is an entry in ClinVar:

ClinVar aggregate classification (germline): Benign. Review status: criteria provided, single submitter (1 of 4 stars). 2 submissions from 2 submitters: Benign (1). 1 of the submissions does not count toward it. Last evaluated 2024-10-22.

Conditions:
DNAH11-related disorder. Also called: DNAH11-related condition.
Primary ciliary dyskinesia. Also called: Ciliary dyskinesia. Identifiers: Orphanet 244, MedGen C0008780, MONDO:0016575, HP:0012265.

Allele frequency attached by ClinVar (database versions not stated): TOPMed below 0.00001.
gnomAD v4.1: 5 of 1,548,822 alleles (0.00032%); highest among the groups gnomAD compares: African/African-American, 0.0055%; no homozygotes.

Submissions (2):

Labcorp Genetics (formerly Invitae), Labcorp
Classification: Benign for Primary ciliary dyskinesia. Last evaluated: 2024-10-22. Review status: criteria provided, single submitter. Criteria: Invitae Variant Classification Sherloc (09022015). Collection method: clinical testing. Allele origin: germline.

PreventionGenetics, part of Exact Sciences
Classification: Uncertain significance for DNAH11-related condition. Last evaluated: 2024-02-26. Review status: no assertion criteria provided. Collection method: clinical testing. Allele origin: germline. Not counted in ClinVar's aggregate classification.
Comment: The DNAH11 c.53C>T variant is predicted to result in the amino acid substitution p.Thr18Ile. To our knowledge, this variant has not been reported in the literature. This variant is reported in 0.01269% of alleles in individuals of African descent in gnomAD v4. At this time, the clinical significance of this variant is uncertain due to the absence of conclusive functional and genetic evidence.

NM_001277115.2(DNAH11):c.53C>T (p.Thr18Ile)

Gene: DNAH11 (dynein axonemal heavy chain 11; plus strand). Cytogenetic location: 7p15.3.
Variant type: single nucleotide variant.
Coding change: c.53C>T on transcript NM_001277115.2 (MANE Select); coding-DNA position 53, C replaced by T.
Protein change: p.Thr18Ile; replaces threonine 18 with isoleucine.
Molecular consequence: missense variant.
Genome position (GRCh38, 1-based): chr7:21,543,298, C>T. VCF-style: chr7-21543298-C-T. GRCh37 (hg19) VCF-style: chr7-21582916-C-T.
Other names: c.53C>T (NM_001277115.1); c.53C>T, p.Thr18Ile (NM_003777.3); short protein forms T18I.
Identifiers: ClinVar variation 2722473 (VCV002722473.5), dbSNP rs1039233944, ClinGen allele CA155057626.